The following is an entry in ClinVar:

NM_001042492.3(NF1):c.3163C>T (p.Gln1055Ter)

Gene: NF1 (neurofibromin 1; plus strand). Cytogenetic location: 17q11.2.
Variant type: single nucleotide variant.
Coding change: c.3163C>T on transcript NM_001042492.3 (MANE Select); coding-DNA position 3163, C replaced by T.
Protein change: p.Gln1055Ter; replaces glutamine 1055 with a stop codon.
Molecular consequence: nonsense.
Genome position (GRCh38, 1-based): chr17:31,230,891, C>T. VCF-style: chr17-31230891-C-T. GRCh37 (hg19) VCF-style: chr17-29557909-C-T.
Other names: c.3163C>T, p.Gln1055Ter (NM_000267.4); short protein forms Q1055*.
Identifiers: ClinVar variation 1396963 (VCV001396963.7), dbSNP rs866069972, ClinGen allele CA289337084.

ClinVar aggregate classification (germline): Pathogenic. Review status: criteria provided, multiple submitters, no conflicts (2 of 4 stars). 2 submissions from 2 submitters: Pathogenic (2). Last evaluated 2025-01-08.

Conditions:
Cardiovascular phenotype. Identifiers: MedGen CN230736.
Hereditary cancer-predisposing syndrome. Also called: Hereditary neoplastic syndrome; Neoplastic Syndromes, Hereditary; Hereditary Cancer Syndrome; Tumor predisposition. Identifiers: Orphanet 140162, MedGen C0027672, MeSH D009386, MONDO:0015356.
Neurofibromatosis, type 1 (NF1). Also called: VON RECKLINGHAUSEN DISEASE; Neurofibromatosis, type I; NEUROFIBROMATOSIS, TYPE I, SOMATIC; Peripheral type neurofibromatosis. Identifiers: Orphanet 636, MedGen C0027831, MONDO:0018975, OMIM 162200. Disease mechanism: loss of function.

Submissions (2):

Ambry Genetics
Classification: Pathogenic for Cardiovascular phenotype; Hereditary cancer-predisposing syndrome. Last evaluated: 2025-01-08. Review status: criteria provided, single submitter. Criteria: Ambry Variant Classification Scheme 2023. Collection method: clinical testing. Allele origin: germline.
Comment: The p.Q1055* pathogenic mutation (also known as c.3163C>T), located in coding exon 24 of the NF1 gene, results from a C to T substitution at nucleotide position 3163. This changes the amino acid from a glutamine to a stop codon within coding exon 24. This variant was reported in individual(s) with features consistent with neurofibromatosis type 1 (NF1) (Mattocks C et al. J Med Genet, 2004 Apr;41:e48; Kang E et al. J Hum Genet, 2020 Jan;65:79-89; Cosmo E et al. Cancers (Basel), 2022 Mar;14; Ambry internal data). This alteration is expected to result in loss of function by premature protein truncation or nonsense-mediated mRNA decay. As such, this alteration is interpreted as a disease-causing mutation.

Labcorp Genetics (formerly Invitae), Labcorp
Classification: Pathogenic for Neurofibromatosis, type 1. Last evaluated: 2023-06-14. Review status: criteria provided, single submitter. Criteria: Invitae Variant Classification Sherloc (09022015). Collection method: clinical testing. Allele origin: germline.
Comment: ClinVar contains an entry for this variant (Variation ID: 1396963). For these reasons, this variant has been classified as Pathogenic. This premature translational stop signal has been observed in individual(s) with neurofibromatosis type 1 (PMID: 15060124). This variant is not present in population databases (gnomAD no frequency). This sequence change creates a premature translational stop signal (p.Gln1055*) in the NF1 gene. It is expected to result in an absent or disrupted protein product. Loss-of-function variants in NF1 are known to be pathogenic (PMID: 10712197, 23913538).

Literature cited by the submitters: PubMed 15060124 (cited by Ambry Genetics and Labcorp Genetics (formerly Invitae), Labcorp); PubMed 31776437 (cited by Ambry Genetics); PubMed 35326581 (cited by Ambry Genetics); PubMed 10712197 (cited by Labcorp Genetics (formerly Invitae), Labcorp); PubMed 23913538 (cited by Labcorp Genetics (formerly Invitae), Labcorp).